The following is an entry in ClinVar:

ClinVar aggregate classification (germline): Conflicting classifications of pathogenicity. Review status: criteria provided, conflicting classifications (1 of 4 stars). 2 submissions from 2 submitters: Uncertain significance (1); Likely benign (1). Last evaluated 2026-03-27.

Conditions:
Cardiovascular phenotype. Identifiers: MedGen CN230736.
Arrhythmogenic right ventricular dysplasia 11. Also called: ARRHYTHMOGENIC RIGHT VENTRICULAR DYSPLASIA, FAMILIAL, 11; Arrhythmogenic Right Ventricular Dysplasia/Cardiomyopathy11; Arrhythmogenic right ventricular dysplasia 11 with mild palmoplantar keratoderma and woolly hair. Identifiers: MedGen C1864850, MONDO:0012506, OMIM 610476.

Submissions (2):

Ambry Genetics
Classification: Likely benign for Cardiovascular phenotype. Last evaluated: 2026-03-27. Review status: criteria provided, single submitter. Criteria: Ambry Variant Classification Scheme 2023. Collection method: clinical testing. Allele origin: germline.

Labcorp Genetics (formerly Invitae), Labcorp
Classification: Uncertain significance for Arrhythmogenic right ventricular dysplasia 11. Last evaluated: 2025-01-23. Review status: criteria provided, single submitter. Criteria: Invitae Variant Classification Sherloc (09022015). Collection method: clinical testing. Allele origin: germline.
Comment: This sequence change replaces lysine, which is basic and polar, with arginine, which is basic and polar, at codon 270 of the DSC2 protein (p.Lys270Arg). This variant is not present in population databases (gnomAD no frequency). This variant has not been reported in the literature in individuals affected with DSC2-related conditions. Invitae Evidence Modeling of protein sequence and biophysical properties (such as structural, functional, and spatial information, amino acid conservation, physicochemical variation, residue mobility, and thermodynamic stability) indicates that this missense variant is not expected to disrupt DSC2 protein function with a negative predictive value of 80%. In summary, the available evidence is currently insufficient to determine the role of this variant in disease. Therefore, it has been classified as a Variant of Uncertain Significance.

NM_024422.6(DSC2):c.809A>G (p.Lys270Arg)

Gene: DSC2 (desmocollin 2; minus strand). Cytogenetic location: 18q12.1.
Variant type: single nucleotide variant.
Coding change: c.809A>G on transcript NM_024422.6 (MANE Select); coding-DNA position 809, A replaced by G.
Protein change: p.Lys270Arg; replaces lysine 270 with arginine.
Molecular consequence: missense variant.
Genome position (GRCh38, 1-based): chr18:31,086,709, T>C on the plus strand (A>G on the coding strand, the complement: DSC2 is on the minus strand). VCF-style: chr18-31086709-T-C. GRCh37 (hg19) VCF-style: chr18-28666672-T-C.
Other names: c.380A>G, p.Lys127Arg (NM_001406506.1, NM_001406507.1); c.809A>G, p.Lys270Arg (NM_004949.5); c.809A>G (NM_024422.3); short protein forms K127R, K270R.
Identifiers: ClinVar variation 3703546 (VCV003703546.3).